The following is an entry in ClinVar:

ClinVar aggregate classification (germline): Conflicting classifications of pathogenicity. Review status: criteria provided, conflicting classifications (1 of 4 stars). 4 submissions from 4 submitters: Uncertain significance (1); Likely benign (1). 2 of the submissions do not count toward it. Last evaluated 2026-08-01.

Conditions:
GATA4-related disorder. Also called: GATA4-related condition. Identifiers: MedGen CN860321.
Congenital heart disease (CHD). Identifiers: MedGen C0152021, MONDO:0005453. Disease mechanism: unknown.

Allele frequency attached by ClinVar (database versions not stated): 1000 Genomes Project 0.00100; 1000 Genomes Project 30x 0.00109; gnomAD 0.00185; TOPMed 0.00241.

Submissions (4):

CeGaT Center for Human Genetics Tuebingen
Classification: Likely benign. Last evaluated: 2026-08-01. Review status: criteria provided, single submitter. Criteria: CeGaT Center For Human Genetics Tuebingen Variant Classification Criteria Version 2. Collection method: clinical testing. Allele origin: germline. Affected: yes. Observed: 2 variant alleles.
Comment: GATA4: BS2

Mendelics
Classification: Uncertain significance. Last evaluated: 2022-05-04. Review status: criteria provided, single submitter. Criteria: Mendelics Assertion Criteria 2019. Collection method: clinical testing. Allele origin: germline.

PreventionGenetics, part of Exact Sciences
Classification: Likely benign for GATA4-related condition. Last evaluated: 2019-07-12. Review status: no assertion criteria provided. Collection method: clinical testing. Allele origin: germline. Not counted in ClinVar's aggregate classification.
Comment: This variant is classified as likely benign based on ACMG/AMP sequence variant interpretation guidelines (Richards et al. 2015 PMID: 25741868, with internal and published modifications).

Central Research Laboratory, Sri Devaraj Urs Academy of Higher Education and Research
Classification: Pathogenic for Congenital heart disease. Last evaluated: 2017-01-07. Review status: no assertion criteria provided. Collection method: clinical testing. Allele origin: unknown. Affected: yes. Observed: 1 variant allele. Not counted in ClinVar's aggregate classification.
Comment: This variant, NG_008177.2:g.87725T>C, leads to the formation of SF2/ASF ISE motif and ISS motif 1.

Literature cited by the submitters: PubMed 27426723 (cited by Central Research Laboratory, Sri Devaraj Urs Academy of Higher Education and Research).

NM_001308093.3(GATA4):c.*1168T>C

Gene: GATA4 (GATA binding protein 4). Cytogenetic location: 8p23.1.
Variant type: single nucleotide variant.
Coding change: c.*1168T>C on transcript NM_001308093.3 (MANE Select); 1168 bases downstream of the stop codon, T replaced by C.
Molecular consequence: 3 prime UTR variant.
Genome position (GRCh38, 1-based): chr8:11,759,643, T>C. VCF-style: chr8-11759643-T-C. GRCh37 (hg19) VCF-style: chr8-11617152-T-C.
Other names: c.*1168T>C (NM_001308094.2, NM_001374273.1, NM_001374274.1 and 2 more transcripts).
Identifiers: ClinVar variation 433025 (VCV000433025.10), dbSNP rs549543886, ClinGen allele CA172122274.